The following is an entry in ClinVar:

NM_018245.3(OGDHL):c.1262C>A (p.Thr421Asn)

Gene: OGDHL (oxoglutarate dehydrogenase L; minus strand). Cytogenetic location: 10q11.23.
Variant type: single nucleotide variant.
Coding change: c.1262C>A on transcript NM_018245.3 (MANE Select); coding-DNA position 1262, C replaced by A.
Protein change: p.Thr421Asn; replaces threonine 421 with asparagine.
Molecular consequence: missense variant. On other transcripts: non-coding transcript variant (5).
Genome position (GRCh38, 1-based): chr10:49,746,784, G>T on the plus strand (C>A on the coding strand, the complement: OGDHL is on the minus strand). VCF-style: chr10-49746784-G-T. GRCh37 (hg19) VCF-style: chr10-50954830-G-T.
Other names: c.635C>A, p.Thr212Asn (NM_001347825.2, NM_001143997.2, NM_001347821.2 and 1 more transcripts); c.245C>A, p.Thr82Asn (NM_001347826.1); c.1091C>A, p.Thr364Asn (NM_001143996.2, NM_001347820.1); c.1262C>A, p.Thr421Asn (NM_001347819.1, NM_001347823.1, NM_001347824.2); short protein forms T212N, T364N, T421N, T82N.
Identifiers: ClinVar variation 3340507 (VCV003340507.1).

ClinVar aggregate classification (germline): Uncertain significance (1 of 4 stars; one submission).

Conditions:
Yoon-Bellen neurodevelopmental syndrome (YOBELN). Identifiers: MedGen C5562066, MONDO:0859221, OMIM 619701.

Submission:

Diagnostics Services (NGS), CSIR - Centre For Cellular And Molecular Biology
Classification: Uncertain significance for Yoon-Bellen neurodevelopmental syndrome. Last evaluated: 2024-08-08. Review status: criteria provided, single submitter. Criteria: ACMG Guidelines, 2015. Collection method: clinical testing. Allele origin: unknown. Affected: yes. Observed: 1 variant allele, 1 heterozygote.
Comment: The c.1262C>A variant is not present in publicly available population databases like 1000 Genomes, EVS, ExAC, gnomAD, Indian Exome Database or our in-house exome database. This variant has neither been published in the literature in individuals affected with OGDHL-related conditions nor reported to clinical databases like ClinVar, Human Gene Mutation Database (HGMD) or OMIM, in any affected individuals. In-silico pathogenicity prediction programs like SIFT, PolypHen-2, MutationTaster2, CADD, Varsome, Franklin, InterVar etc predicted this variant to be likely deleterious; however these were not confirmed by any published functional studies.